The following is an entry in ClinVar:

NM_007294.4(BRCA1):c.4527C>G (p.Tyr1509Ter)

Gene: BRCA1 (BRCA1 DNA repair associated; minus strand). Cytogenetic location: 17q21.31.
Variant type: single nucleotide variant.
Coding change: c.4527C>G on transcript NM_007294.4 (MANE Select); coding-DNA position 4527, C replaced by G.
Protein change: p.Tyr1509Ter; replaces tyrosine 1509 with a stop codon.
Molecular consequence: nonsense. On other transcripts: intron variant (3).
Genome position (GRCh38, 1-based): chr17:43,074,479, G>C on the plus strand (C>G on the coding strand, the complement: BRCA1 is on the minus strand). VCF-style: chr17-43074479-G-C. GRCh37 (hg19) VCF-style: chr17-41226496-G-C.
Other names: c.4314C>G, p.Tyr1438Ter (NM_001407571.1, NM_001407894.1, NM_001407895.1 and 12 more transcripts); c.4593C>G, p.Tyr1531Ter (NM_001407581.1, NM_001407582.1); c.4590C>G, p.Tyr1530Ter (NM_001407583.1, NM_001407585.1, NM_001407587.1 and 1 more transcripts); c.4587C>G, p.Tyr1529Ter (NM_001407590.1, NM_001407591.1); c.4527C>G, p.Tyr1509Ter (NM_001407593.1, NM_001407594.1, NM_001407596.1 and 8 more transcripts); c.4524C>G, p.Tyr1508Ter (NM_001407610.1, NM_001407611.1, NM_001407612.1 and 17 more transcripts); c.4521C>G, p.Tyr1507Ter (NM_001407627.1, NM_001407628.1, NM_001407629.1 and 14 more transcripts); c.4518C>G, p.Tyr1506Ter (NM_001407644.1, NM_001407645.1); and 71 more; short protein forms Y1340*, Y1381*, Y1382*, Y1396*, Y1397*, Y1419*, Y1437*, Y1440*.
Identifiers: ClinVar variation 2585829 (VCV002585829.2), dbSNP rs886040233, ClinGen allele CA10592468.
Genomic context (GRCh38, chr17:43,074,479, plus strand): 5'-AATGAGCTCCTCTTGAGATGGGTAGTTTCTATTCTGAAGACTCCCAGAGCAACTGTGCAT[G>C]TACCACCTATCATCTAATGATGGGCATTTAGAAGGGGATGACCTAGAAAGATAAATGGAA-3'

ClinVar aggregate classification (germline): Pathogenic (1 of 4 stars; one submission).

Conditions:
Hereditary cancer-predisposing syndrome. Also called: Hereditary neoplastic syndrome; Tumor predisposition; Hereditary Cancer Syndrome; Neoplastic Syndromes, Hereditary. Identifiers: Orphanet 140162, MedGen C0027672, MeSH D009386, MONDO:0015356.

Submission:

Ambry Genetics
Classification: Pathogenic for Hereditary cancer-predisposing syndrome. Last evaluated: 2023-07-22. Review status: criteria provided, single submitter. Criteria: Ambry Variant Classification Scheme 2023. Collection method: clinical testing. Allele origin: germline.
Comment: The p.Y1509* pathogenic mutation (also known as c.4527C>G), located in coding exon 13 of the BRCA1 gene, results from a C to G substitution at nucleotide position 4527. This changes the amino acid from a tyrosine to a stop codon within coding exon 13. This variant is considered to be rare based on population cohorts in the Genome Aggregation Database (gnomAD). This alteration is expected to result in loss of function by premature protein truncation or nonsense-mediated mRNA decay. As such, this alteration is interpreted as a disease-causing mutation.